The following is an entry in ClinVar:

NM_000400.4(ERCC2):c.448A>G (p.Thr150Ala)

Gene: ERCC2 (ERCC excision repair 2, TFIIH core complex helicase subunit; minus strand). Cytogenetic location: 19q13.32.
Variant type: single nucleotide variant.
Coding change: c.448A>G on transcript NM_000400.4 (MANE Select); coding-DNA position 448, A replaced by G.
Protein change: p.Thr150Ala; replaces threonine 150 with alanine.
Molecular consequence: missense variant.
Genome position (GRCh38, 1-based): chr19:45,365,071, T>C on the plus strand (A>G on the coding strand, the complement: ERCC2 is on the minus strand). VCF-style: chr19-45365071-T-C. GRCh37 (hg19) VCF-style: chr19-45868329-T-C.
Other names: c.376A>G, p.Thr126Ala (NM_001130867.2); short protein forms T126A, T150A.
Identifiers: ClinVar variation 1740945 (VCV001740945.3), dbSNP rs1019582506, ClinGen allele CA406375900.

ClinVar aggregate classification (germline): Uncertain significance (1 of 4 stars; one submission).

Conditions:
Inborn genetic diseases. Identifiers: MedGen C0950123, MeSH D030342.

Allele frequency attached by ClinVar (database versions not stated): gnomAD exomes below 0.00001.
gnomAD v4.1: 2 of 1,614,026 alleles (0.00012%); highest among the groups gnomAD compares: Non-Finnish European, 0.00017%; no homozygotes.

Submission:

Ambry Genetics
Classification: Uncertain significance for Inborn genetic diseases. Last evaluated: 2024-08-12. Review status: criteria provided, single submitter. Criteria: Ambry Variant Classification Scheme 2023. Collection method: clinical testing. Allele origin: germline.
Comment: The p.T150A variant (also known as c.448A>G), located in coding exon 6 of the ERCC2 gene, results from an A to G substitution at nucleotide position 448. The threonine at codon 150 is replaced by alanine, an amino acid with similar properties. This amino acid position is conserved. In addition, this alteration is predicted to be tolerated by in silico analysis. Since supporting evidence is limited at this time, the clinical significance of this alteration remains unclear.